The following is an entry in ClinVar:

NM_052845.4(MMAB):c.563_577dup (p.Val188_Ala192dup)

Gene: MMAB (metabolism of cobalamin associated B; minus strand). Cytogenetic location: 12q24.11.
Variant type: Duplication.
Coding change: c.563_577dup on transcript NM_052845.4 (MANE Select); coding-DNA positions 563 to 577, 15 bases duplicated (TGTGCCGCCGGGCCG).
Protein change: p.Val188_Ala192dup.
Molecular consequence: inframe insertion. On other transcripts: non-coding transcript variant (1).
Genome position (GRCh38, 1-based): chr12:109,561,047-109,561,061, CGGCCCGGCGGCACA duplicated on the plus strand (TGTGCCGCCGGGCCG on the coding strand, the reverse complement: MMAB is on the minus strand); duplicating any 15 consecutive bases within chr12:109,561,047-109,561,070 gives the same sequence; the c. name uses the placement nearest the transcript's 3' end. VCF-style (leftmost placement, unchanged base first): chr12-109561046-T-TCGGCCCGGCGGCACA. GRCh37 (hg19) VCF-style: chr12-109998851-T-TCGGCCCGGCGGCACA.
Other names: c.563_577dup15 (NM_052845.3).
Identifiers: ClinVar variation 203822 (VCV000203822.19), dbSNP rs1555274496, ClinGen allele CA312722.

ClinVar aggregate classification (germline): Pathogenic/Likely pathogenic. Review status: criteria provided, multiple submitters, no conflicts (2 of 4 stars). 8 submissions from 8 submitters: Pathogenic (5); Likely pathogenic (1). 2 of the submissions do not count toward it. Last evaluated 2025-12-01.

Conditions:
Methylmalonic acidemia (MMA). Also called: Isolated Methylmalonic Acidemia. Identifiers: MedGen C0268583, MeSH C537358, MONDO:0002012, HP:0002912.
Methylmalonic aciduria, cblB type (MACB). Also called: Methylmalonic acidemia cblB type; Vitamin B12-responsive methylmalonic acidemia type cblB; METHYLMALONIC ACIDURIA, VITAMIN B12-RESPONSIVE, DUE TO DEFECT IN SYNTHESIS OF ADENOSYLCOBALAMIN, cblB TYPE. Identifiers: Orphanet 28, Orphanet 79311, MedGen C1855102, MONDO:0009614, OMIM 251110.

Submissions (8):

Labcorp Genetics (formerly Invitae), Labcorp
Classification: Pathogenic for Methylmalonic aciduria, cblB type. Last evaluated: 2025-12-01. Review status: criteria provided, single submitter. Criteria: Invitae Variant Classification Sherloc (09022015). Collection method: clinical testing. Allele origin: germline.
Comment: This variant, c.563_577dup, results in the insertion of 5 amino acid(s) of the MMAB protein (p.Val188_Ala192dup), but otherwise preserves the integrity of the reading frame. This variant is present in population databases (rs747499304, gnomAD 0.002%). This variant has been observed in individual(s) with clinical features of cobalamin B type methylmalonic aciduria (PMID: 16410054, 22695176; internal data). In at least one individual the data is consistent with being in trans (on the opposite chromosome) from a pathogenic variant. ClinVar contains an entry for this variant (Variation ID: 203822). For these reasons, this variant has been classified as Pathogenic.

Natera, Inc.
Classification: Pathogenic for Methylmalonic aciduria cblB type. Last evaluated: 2025-12-01. Review status: criteria provided, single submitter. Criteria: Natera Variant Classification Schema (03/2026). Collection method: clinical testing. Allele origin: germline.
Comment: The c.563_577dupTGTGCCGCCGGGCCG variant in MMAB is an in-frame insertion. This variant is rare in the general population with a frequency below the threshold expected for the associated phenotype(s). This variant has been observed in one or more individuals affected with the associated recessive disease, as either homozygous or compound heterozygous with a second variant (PMID: 22695176). Given the available evidence, this variant is classified as Pathogenic.

Myriad Genetics, Inc.
Classification: Likely pathogenic for Methylmalonic aciduria, cblB type. Last evaluated: 2025-04-24. Review status: criteria provided, single submitter. Criteria: Myriad Autosomal Dominant, Autosomal Recessive and X-Linked Classification Criteria (2023). Collection method: clinical testing. Allele origin: unknown.
Comment: NM_052845.3(MMAB):c.563_577dup15(V188_A192dup) is an in-frame insertion classified as likely pathogenic in the context of methylmalonic acidemia, cblB type. V188_A192dup has been observed in cases with relevant disease (PMID: 16410054, 22695176, 29247206, 34796408, Tong_2018_(article)). Relevant functional assessments of this variant are not available in the literature. V188_A192dup has been observed in referenced population frequency databases. In summary, NM_052845.3(MMAB):c.563_577dup15(V188_A192dup) is an in-frame insertion that has been observed more frequently in cases with the relevant disease than in healthy populations. Please note: this variant was assessed in the context of healthy population screening.

Baylor Genetics
Classification: Pathogenic for Methylmalonic aciduria, cblB type. Last evaluated: 2024-02-08. Review status: criteria provided, single submitter. Criteria: ACMG Guidelines, 2015. Collection method: clinical testing. Allele origin: unknown.

Women's Health and Genetics/Laboratory Corporation of America, LabCorp
Classification: Pathogenic for Methylmalonic acidemia. Last evaluated: 2021-12-18. Review status: criteria provided, single submitter. Criteria: LabCorp Variant Classification Summary - May 2015. Collection method: clinical testing. Allele origin: germline.
Comment: Variant summary: MMAB c.563_577dup15 (p.Val188_Ala192dup) results in an in-frame duplication that is predicted to duplicate 5 amino acids in the Cobalamin adenosyltransferase-like domain (IPR016030) of the encoded protein. The variant allele was found at a frequency of 8e-06 in 248548 control chromosomes. c.563_577dup15 has been reported in the literature as a compound heterozygous genotype in multiple individuals affected with Methylmalonic Acidemia (example, Lerner-Ellis_2006, Vatanavicharn_2012). These data indicate that the variant is very likely to be associated with disease. To our knowledge, no experimental evidence demonstrating an impact on protein function has been reported. Two clinical diagnostic laboratories have submitted clinical-significance assessments for this variant to ClinVar after 2014 without evidence for independent evaluation. All laboratories classified the variant as pathogenic/likely pathogenic. Based on the evidence outlined above, the variant was classified as pathogenic.

GeneDx
Classification: Pathogenic. Last evaluated: 2014-04-18. Review status: criteria provided, single submitter. Criteria: GeneDx Variant Classification (06012015). Collection method: clinical testing. Allele origin: germline. Affected: yes.
Comment: The c.563_577dupTGTGCCGCCGGGCCG, the normal sequence with the bases that are duplicated in braces is: GCCG{TGTGCCGCCGGGCCG}AGAGAC. Mutation occurs in the active site of the MMAB enzyme (Lerner-Ellis et al., 2006). The c.563_577dupTGTGCCGCCGGGCCG mutation results in a insertion of 5 amino acids, denoted p.Val188_Ala192dup. The variant is found in MMAB panel(s).

Baumgartner lab, University Children's Hospital Zurich
Classification: Pathogenic for Methylmalonic aciduria, cblB type. Last evaluated: 2021-06-01. Review status: no assertion criteria provided. Collection method: clinical testing. Allele origin: germline. Affected: yes. Not counted in ClinVar's aggregate classification.

Counsyl
Classification: Likely pathogenic for Methylmalonic aciduria, cblB type. Last evaluated: 2017-10-03. Review status: no assertion criteria provided. Collection method: clinical testing. Allele origin: unknown. Not counted in ClinVar's aggregate classification.

Literature cited by the submitters: PubMed 16410054 (cited by 3 submitters); PubMed 22695176 (cited by 4 submitters).